The following is an entry in ClinVar:

ClinVar aggregate classification (germline): Pathogenic (1 of 4 stars; one submission).

Conditions:
Intellectual developmental disorder, autosomal dominant 39. Also called: Mental retardation, autosomal dominant 39; Intellectual disability, autosomal dominant 39. Identifiers: MedGen C4225296, MONDO:0014678, OMIM 616521.

Submission:

Victorian Clinical Genetics Services, Murdoch Childrens Research Institute
Classification: Pathogenic for Intellectual developmental disorder, autosomal dominant 39. Last evaluated: 2025-02-06. Review status: criteria provided, single submitter. Criteria: ACMG Guidelines, 2015. Collection method: clinical testing. Allele origin: germline. Affected: yes.
Comment: This variant is classified as Pathogenic. Evidence in support of pathogenic classification: Variant is predicted to cause nonsense-mediated decay (NMD) and loss of protein (premature termination codon is located at least 54 nucleotides upstream of the final exon-exon junction); Variant is absent from gnomAD (v2, v3 and v4); Other NMD-predicted variant(s) comparable to the one identified in this case have very strong previous evidence for pathogenicity (DECIPHER, ClinVar); Additional information: This variant is heterozygous; This gene is associated with autosomal dominant disease; This variant has no previous evidence of pathogenicity; No published segregation evidence has been identified for this variant; No published functional evidence has been identified for this variant; Loss of function is a known mechanism of disease in this gene and is associated with autosomal dominant intellectual developmental disorder 39 (MIM#616521); Variants in this gene are known to have variable expressivity. Individuals with pathogenic variants in this gene presented with variable phenotypes and severity (PMID: 33622623).

Literature cited by the submitters: PubMed 33622623.

NM_001303052.2(MYT1L):c.2845dup (p.Gln949fs)

Gene: MYT1L (myelin transcription factor 1 like; minus strand). Cytogenetic location: 2p25.3.
Variant type: Duplication.
Coding change: c.2845dup on transcript NM_001303052.2 (MANE Select); coding-DNA position 2845, one base duplicated (C; older notation c.2845dupC).
Protein change: p.Gln949fs; shifts the reading frame from glutamine 949.
Molecular consequence: frameshift variant.
Genome position (GRCh38, 1-based): chr2:1,840,773, G duplicated on the plus strand (C on the coding strand, the reverse complement: MYT1L is on the minus strand). VCF-style (leftmost placement, unchanged base first): chr2-1840772-T-TG. GRCh37 (hg19) VCF-style: chr2-1844544-T-TG.
Other names: c.2839dup, p.Gln947fs (NM_001329847.2, NM_001329848.1, NM_001329849.3 and 3 more transcripts); c.2845dup, p.Gln949fs (NM_001329851.3, NM_001329844.2, NM_001329845.1); short protein forms Q947fs, Q949fs.
Identifiers: ClinVar variation 4531803 (VCV004531803.1).